The following is an entry in ClinVar:

NM_024753.5(TTC21B):c.3278A>G (p.Lys1093Arg)

Gene: TTC21B (tetratricopeptide repeat domain 21B; minus strand). Cytogenetic location: 2q24.3.
Variant type: single nucleotide variant.
Coding change: c.3278A>G on transcript NM_024753.5 (MANE Select); coding-DNA position 3278, A replaced by G.
Protein change: p.Lys1093Arg; replaces lysine 1093 with arginine.
Molecular consequence: missense variant.
Genome position (GRCh38, 1-based): chr2:165,888,460, T>C on the plus strand (A>G on the coding strand, the complement: TTC21B is on the minus strand). VCF-style: chr2-165888460-T-C. GRCh37 (hg19) VCF-style: chr2-166744970-T-C.
Other names: short protein forms K1093R.
Identifiers: ClinVar variation 4995845 (VCV004995845.1).

ClinVar aggregate classification (germline): Uncertain significance (1 of 4 stars; one submission).

Conditions:
TTC21B-related disorder. Also called: TTC21B-related condition; TTC21B-related disorders.

Submission:

PreventionGenetics, part of Exact Sciences
Classification: Uncertain significance for TTC21B-related condition. Last evaluated: 2026-02-10. Review status: criteria provided, single submitter. Criteria: ACMG Guidelines, 2015. Collection method: clinical testing. Allele origin: germline.
Comment: The TTC21B c.3278A>G variant is predicted to result in the amino acid substitution p.Lys1093Arg. To our knowledge, this variant has not been reported in the literature or in a large population database (gnomAD), indicating this variant is rare. At this time, the clinical significance of this variant is uncertain due to the absence of conclusive functional and genetic evidence.